The following is an entry in ClinVar:

ClinVar aggregate classification (germline): Conflicting classifications of pathogenicity. Review status: criteria provided, conflicting classifications (1 of 4 stars). 8 submissions from 8 submitters: Uncertain significance (1); Benign (3); Likely benign (3). 1 of the submissions does not count toward it. Last evaluated 2025-12-22.

Conditions:
ABHD12-related disorder. Also called: ABHD12-related condition.

Submissions (8):

Labcorp Genetics (formerly Invitae), Labcorp
Classification: Benign. Last evaluated: 2025-12-22. Review status: criteria provided, single submitter. Criteria: Invitae Variant Classification Sherloc (09022015). Collection method: clinical testing. Allele origin: germline.

Mayo Clinic Laboratories, Mayo Clinic
Classification: Likely benign. Last evaluated: 2025-05-03. Review status: criteria provided, single submitter. Criteria: ACMG Guidelines, 2015. Collection method: clinical testing. Allele origin: germline. Observed: 3 variant alleles.
Comment: BA1

Women's Health and Genetics/Laboratory Corporation of America, LabCorp
Classification: Benign. Last evaluated: 2025-01-14. Review status: criteria provided, single submitter. Criteria: LabCorp Variant Classification Summary - May 2015. Collection method: clinical testing. Allele origin: germline.
Comment: Variant summary: ABHD12 c.788-10_788-7delGTTT alters a nucleotide located close to a canonical splice site and therefore could affect mRNA splicing, leading to a significantly altered protein sequence. Consensus agreement among computation tools predict no significant impact on normal splicing. However, these predictions have yet to be confirmed by functional studies. The variant allele was found at a frequency of 0.00046 in 251302 control chromosomes, predominantly at a frequency of 0.0053 within the African or African-American subpopulation in the gnomAD database, including 1 homozygotes. The observed variant frequency within African or African-American control individuals in the gnomAD database is approximately 5 fold of the estimated maximal expected allele frequency for a pathogenic variant in ABHD12 causing PHARC syndrome phenotype (0.0011). To our knowledge, no occurrence of c.788-10_788-7delGTTT in individuals affected with PHARC syndrome and no experimental evidence demonstrating its impact on protein function have been reported. ClinVar contains an entry for this variant (Variation ID: 199051). Based on the evidence outlined above, the variant was classified as benign.

Blueprint Genetics
Classification: Likely benign. Last evaluated: 2024-10-29. Review status: criteria provided, single submitter. Criteria: ACMG Guidelines, 2015. Collection method: clinical testing. Allele origin: germline.

GeneDx
Classification: Benign. Last evaluated: 2019-05-23. Review status: criteria provided, single submitter. Criteria: GeneDx Variant Classification Process June 2021. Collection method: clinical testing. Allele origin: germline. Affected: yes.

Athena Diagnostics
Classification: Likely benign. Last evaluated: 2018-11-12. Review status: criteria provided, single submitter. Criteria: Athena Diagnostics Criteria. Collection method: clinical testing. Allele origin: germline.

Eurofins Ntd Llc (ga)
Classification: Uncertain significance. Last evaluated: 2015-05-20. Review status: criteria provided, single submitter. Criteria: EGL Classification Definitions 2015. Collection method: clinical testing. Allele origin: germline. Observed: 1 variant allele, 1 heterozygote.

PreventionGenetics, part of Exact Sciences
Classification: Likely benign for ABHD12-related condition. Last evaluated: 2019-11-20. Review status: no assertion criteria provided. Collection method: clinical testing. Allele origin: germline. Not counted in ClinVar's aggregate classification.
Comment: This variant is classified as likely benign based on ACMG/AMP sequence variant interpretation guidelines (Richards et al. 2015 PMID: 25741868, with internal and published modifications).

NM_001042472.3(ABHD12):c.788-10_788-7del

Gene: ABHD12 (abhydrolase domain containing 12, lysophospholipase; minus strand). Cytogenetic location: 20p11.21.
Variant type: Microsatellite.
Coding change: c.788-10_788-7del on transcript NM_001042472.3 (MANE Select); 10 bases into the intron before coding-DNA position 788 through 7 bases into the intron before coding-DNA position 788, 4 bases deleted (GTTT; older notation c.788-10_788-7delGTTT).
Molecular consequence: intron variant.
Genome position (GRCh38, 1-based): chr20:25,308,052-25,308,055, AAAC deleted on the plus strand (GTTT on the coding strand, the reverse complement: ABHD12 is on the minus strand); deleting any 4 consecutive bases within chr20:25,308,052-25,308,060 gives the same sequence; the c. name uses the placement nearest the transcript's 3' end. VCF-style (leftmost placement, unchanged base first): chr20-25308051-TAAAC-T. GRCh37 (hg19) VCF-style: chr20-25288687-TAAAC-T.
Other names: p.?; c.788-10_788-7del (NM_015600.5); c.788-10_788-7delGTTT (NM_001042472.2, NM_001042472.3).
Identifiers: ClinVar variation 199051 (VCV000199051.23), dbSNP rs565270893, ClinGen allele CA248032.